The following is an entry in ClinVar:

NM_001458.5(FLNC):c.7556C>A (p.Thr2519Asn)

Genes: FLNC (filamin C; plus strand), FLNC-AS1 (FLNC antisense RNA 1; minus strand). Cytogenetic location: 7q32.1.
Variant type: single nucleotide variant.
Coding change: c.7556C>A on transcript NM_001458.5 (MANE Select); coding-DNA position 7556, C replaced by A.
Protein change: p.Thr2519Asn; replaces threonine 2519 with asparagine.
Molecular consequence: missense variant.
Genome position (GRCh38, 1-based): chr7:128,856,916, C>A. VCF-style: chr7-128856916-C-A. GRCh37 (hg19) VCF-style: chr7-128496970-C-A.
Other names: c.7457C>A, p.Thr2486Asn (NM_001127487.2); short protein forms T2519N, T2486N.
Identifiers: ClinVar variation 2039916 (VCV002039916.4), dbSNP rs2536670629, ClinGen allele CA369219012.
Genomic context (GRCh38, chr7:128,856,916, plus strand): 5'-AGAGCCAGGCTGGGGACCCAGGCTTGGTGTCAGCCTACGGTCCTGGGCTCGAGGGAGGCA[C>A]TACCGGTGAGTGCCTGGAGCTGGGGAACAGGGTGACTTCTGGGGGTGCTTGGCCACTAGT-3'
Protein context (NP_001449.3, residues 2509-2529): SAYGPGLEGG[Thr2519Asn]TGVSSEFIVN

ClinVar aggregate classification (germline): Uncertain significance (1 of 4 stars; one submission).

Conditions:
Hypertrophic cardiomyopathy 26. Also called: Cardiomyopathy, familial hypertrophic, 26. Identifiers: Orphanet 75249, MedGen C4310749, MONDO:0014883, OMIM 617047.
Distal myopathy with posterior leg and anterior hand involvement. Also called: WILLIAMS DISTAL MYOPATHY. Identifiers: Orphanet 63273, MedGen C3279722, MONDO:0013550, OMIM 614065.
Myofibrillar myopathy 5. Also called: FILAMINOPATHY, AUTOSOMAL DOMINANT; Filaminopathy (type). Identifiers: Orphanet 171445, MedGen C1836050, MONDO:0012289, OMIM 609524.

Submission:

Labcorp Genetics (formerly Invitae), Labcorp
Classification: Uncertain significance for Distal myopathy with posterior leg and anterior hand involvement; Myofibrillar myopathy 5; Hypertrophic cardiomyopathy 26. Last evaluated: 2022-06-13. Review status: criteria provided, single submitter. Criteria: Invitae Variant Classification Sherloc (09022015). Collection method: clinical testing. Allele origin: germline.
Comment: This sequence change replaces threonine, which is neutral and polar, with asparagine, which is neutral and polar, at codon 2519 of the FLNC protein (p.Thr2519Asn). This variant is not present in population databases (gnomAD no frequency). This variant has not been reported in the literature in individuals affected with FLNC-related conditions. Algorithms developed to predict the effect of missense changes on protein structure and function are either unavailable or do not agree on the potential impact of this missense change (SIFT: "Tolerated"; PolyPhen-2: "Possibly Damaging"; Align-GVGD: "Class C0"). In summary, the available evidence is currently insufficient to determine the role of this variant in disease. Therefore, it has been classified as a Variant of Uncertain Significance.